The following is an entry in ClinVar:

NM_001103.4(ACTN2):c.2336G>C (p.Arg779Thr)

Gene: ACTN2 (actinin alpha 2; plus strand). Cytogenetic location: 1q43.
Variant type: single nucleotide variant.
Coding change: c.2336G>C on transcript NM_001103.4 (MANE Select); coding-DNA position 2336, G replaced by C.
Protein change: p.Arg779Thr; replaces arginine 779 with threonine.
Molecular consequence: missense variant. On other transcripts: non-coding transcript variant (1).
Genome position (GRCh38, 1-based): chr1:236,759,758, G>C. VCF-style: chr1-236759758-G-C. GRCh37 (hg19) VCF-style: chr1-236923058-G-C.
Other names: c.2336G>C, p.Arg779Thr (NM_001278343.2); c.1712G>C, p.Arg571Thr (NM_001278344.2); c.1586G>C, p.Arg529Thr (NM_001412150.1); short protein forms R529T, R571T, R779T.
Identifiers: ClinVar variation 2944747 (VCV002944747.3), dbSNP rs779870295, ClinGen allele CA345390232.

ClinVar aggregate classification (germline): Uncertain significance (1 of 4 stars; one submission).

Conditions:
Primary familial hypertrophic cardiomyopathy (HCM). Identifiers: Orphanet 99739, MedGen C0949658, MeSH D024741, MONDO:0024573. Inheritance: Various modes of inheritance.
Dilated cardiomyopathy 1AA (CMD1AA). Also called: CARDIOMYOPATHY, DILATED, 1AA, WITH OR WITHOUT LEFT VENTRICULAR NONCOMPACTION; CARDIOMYOPATHY, FAMILIAL HYPERTROPHIC, 23, WITH OR WITHOUT LEFT VENTRICULAR NONCOMPACTION; Cardiomyopathy, dilated, 1AA, with or without LVNC. Identifiers: Orphanet 154, MedGen C2677338, MONDO:0012808, OMIM 612158.

gnomAD v4.1: 1 of 1,614,156 alleles (0.000062%); no homozygotes.

Submission:

Labcorp Genetics (formerly Invitae), Labcorp
Classification: Uncertain significance for Primary familial hypertrophic cardiomyopathy; Dilated cardiomyopathy 1AA. Last evaluated: 2025-10-09. Review status: criteria provided, single submitter. Criteria: Invitae Variant Classification Sherloc (09022015). Collection method: clinical testing. Allele origin: germline.
Comment: This sequence change replaces arginine, which is basic and polar, with threonine, which is neutral and polar, at codon 779 of the ACTN2 protein (p.Arg779Thr). This variant is not present in population databases (gnomAD no frequency). This variant has not been reported in the literature in individuals affected with ACTN2-related conditions. ClinVar contains an entry for this variant (Variation ID: 2944747). An algorithm developed to predict the effect of missense changes on protein structure and function (PolyPhen-2) suggests that this variant is likely to be disruptive. In summary, the available evidence is currently insufficient to determine the role of this variant in disease. Therefore, it has been classified as a Variant of Uncertain Significance.